The following is an entry in ClinVar:

NM_001130438.3(SPTAN1):c.725G>C (p.Gly242Ala)

Gene: SPTAN1 (spectrin alpha, non-erythrocytic 1; plus strand). Cytogenetic location: 9q34.11.
Variant type: single nucleotide variant.
Coding change: c.725G>C on transcript NM_001130438.3 (MANE Select); coding-DNA position 725, G replaced by C.
Protein change: p.Gly242Ala; replaces glycine 242 with alanine.
Molecular consequence: missense variant.
Genome position (GRCh38, 1-based): chr9:128,576,896, G>C. VCF-style: chr9-128576896-G-C. GRCh37 (hg19) VCF-style: chr9-131339175-G-C.
Other names: c.725G>C, p.Gly242Ala (NM_001195532.2, NM_001363759.2, NM_001363765.2 and 5 more transcripts); c.761G>C, p.Gly254Ala (NM_001375312.2, NM_001375318.1); short protein forms G242A, G254A.
Identifiers: ClinVar variation 2885334 (VCV002885334.25), dbSNP rs781453058, ClinGen allele CA5264238.

ClinVar aggregate classification (germline): Conflicting classifications of pathogenicity. Review status: criteria provided, conflicting classifications (1 of 4 stars). 2 submissions from 2 submitters: Uncertain significance (1); Likely benign (1). Last evaluated 2024-10-21.

Conditions:
Early-infantile DEE. Also called: Early infantile epileptic encephalopathy with suppression bursts; Early infantile epileptic encephalopathy; Ohtahara syndrome. Identifiers: Orphanet 1934, MedGen C0393706, MONDO:0800491.

Allele frequency attached by ClinVar (database versions not stated): TOPMed below 0.00001; ExAC 0.00002.
gnomAD v4.1: 11 of 1,614,168 alleles (0.00068%); highest among the groups gnomAD compares: Non-Finnish European, 0.00085%; no homozygotes.

Submissions (2):

Labcorp Genetics (formerly Invitae), Labcorp
Classification: Uncertain significance for Early-infantile DEE. Last evaluated: 2024-10-21. Review status: criteria provided, single submitter. Criteria: Invitae Variant Classification Sherloc (09022015). Collection method: clinical testing. Allele origin: germline.
Comment: This sequence change replaces glycine, which is neutral and non-polar, with alanine, which is neutral and non-polar, at codon 242 of the SPTAN1 protein (p.Gly242Ala). This variant is present in population databases (rs781453058, gnomAD 0.003%). This variant has not been reported in the literature in individuals affected with SPTAN1-related conditions. Invitae Evidence Modeling of protein sequence and biophysical properties (such as structural, functional, and spatial information, amino acid conservation, physicochemical variation, residue mobility, and thermodynamic stability) has been performed for this missense variant. However, the output from this modeling did not meet the statistical confidence thresholds required to predict the impact of this variant on SPTAN1 protein function. In summary, the available evidence is currently insufficient to determine the role of this variant in disease. Therefore, it has been classified as a Variant of Uncertain Significance.

CeGaT Center for Human Genetics Tuebingen
Classification: Likely benign. Last evaluated: 2024-02-01. Review status: criteria provided, single submitter. Criteria: CeGaT Center For Human Genetics Tuebingen Variant Classification Criteria Version 2. Collection method: clinical testing. Allele origin: germline. Affected: yes. Observed: 1 variant allele.
Comment: SPTAN1: BS2